The following is an entry in ClinVar:

NM_015443.4(KANSL1):c.2718T>G (p.Asn906Lys)

Gene: KANSL1 (KAT8 regulatory NSL complex subunit 1). Cytogenetic location: 17q21.31.
Variant type: single nucleotide variant.
Coding change: c.2718T>G on transcript NM_015443.4 (MANE Select); coding-DNA position 2718, T replaced by G.
Protein change: p.Asn906Lys; replaces asparagine 906 with lysine.
Molecular consequence: missense variant.
Genome position (GRCh38, 1-based): chr17:46,033,409, A>C on the plus strand (T>G on the coding strand, the complement: KANSL1 is on the minus strand). VCF-style: chr17-46033409-A-C. GRCh37 (hg19) VCF-style: chr17-44110775-A-C.
Other names: p.N906K:AAT>AAG; c.2715T>G, p.Asn905Lys (NM_001193465.2); c.2718T>G, p.Asn906Lys (NM_001193466.2, NM_001379198.1); short protein forms N906K, N905K.
Identifiers: ClinVar variation 205748 (VCV000205748.34), dbSNP rs139615350, ClinGen allele CA315125.

ClinVar aggregate classification (germline): Benign/Likely benign. Review status: criteria provided, multiple submitters, no conflicts (2 of 4 stars). 5 submissions from 5 submitters: Benign (1); Likely benign (4). Last evaluated 2026-03-01.

Conditions:
Inborn genetic diseases. Identifiers: MedGen C0950123, MeSH D030342.
Koolen-de Vries syndrome (KDVS). Identifiers: Orphanet 96169, MedGen C1864871, MONDO:0012496, OMIM 610443.

Allele frequency attached by ClinVar (database versions not stated): 1000 Genomes Project 30x 0.00016; 1000 Genomes Project 0.00020; gnomAD exomes 0.00025; ExAC 0.00039; ESP Exome Variant Server 0.00085; gnomAD 0.00109 and 0.00125; TOPMed 0.00125.
gnomAD v4.1: 317 of 1,614,020 alleles (0.02%); highest among the groups gnomAD compares: African/African-American, 0.38%; no homozygotes.

Submissions (5):

CeGaT Center for Human Genetics Tuebingen
Classification: Likely benign. Last evaluated: 2026-03-01. Review status: criteria provided, single submitter. Criteria: CeGaT Center For Human Genetics Tuebingen Variant Classification Criteria Version 2. Collection method: clinical testing. Allele origin: germline. Affected: yes. Observed: 2 variant alleles.
Comment: KANSL1: BS1

Labcorp Genetics (formerly Invitae), Labcorp
Classification: Likely benign for Koolen-de Vries syndrome. Last evaluated: 2026-01-12. Review status: criteria provided, single submitter. Criteria: Invitae Variant Classification Sherloc (09022015). Collection method: clinical testing. Allele origin: germline.

Ambry Genetics
Classification: Likely benign for Inborn genetic diseases. Last evaluated: 2025-11-11. Review status: criteria provided, single submitter. Criteria: Ambry Variant Classification Scheme 2023. Collection method: clinical testing. Allele origin: germline.

Mendelics
Classification: Likely benign for Koolen-de Vries syndrome. Last evaluated: 2019-05-28. Review status: criteria provided, single submitter. Criteria: Mendelics Assertion Criteria 2017. Collection method: clinical testing. Allele origin: unknown.

GeneDx
Classification: Benign. Last evaluated: 2019-02-27. Review status: criteria provided, single submitter. Criteria: GeneDx Variant Classification Process June 2021. Collection method: clinical testing. Allele origin: germline. Affected: yes.